The following is an entry in ClinVar:

NM_001206927.2(DNAH8):c.4467-2A>G

Gene: DNAH8 (dynein axonemal heavy chain 8; plus strand). Cytogenetic location: 6p21.2.
Variant type: single nucleotide variant.
Coding change: c.4467-2A>G on transcript NM_001206927.2 (MANE Select); the canonical splice acceptor site of the intron before coding-DNA position 4467, A replaced by G.
Molecular consequence: splice acceptor variant.
Genome position (GRCh38, 1-based): chr6:38,842,366, A>G. VCF-style: chr6-38842366-A-G. GRCh37 (hg19) VCF-style: chr6-38810142-A-G.
Other names: c.3816-2A>G (NM_001371.4).
Identifiers: ClinVar variation 3605000 (VCV003605000.2).

ClinVar aggregate classification (germline): Likely pathogenic (1 of 4 stars; one submission).

Conditions:
Primary ciliary dyskinesia. Also called: Ciliary dyskinesia. Identifiers: Orphanet 244, MedGen C0008780, MONDO:0016575, HP:0012265.

Submission:

Labcorp Genetics (formerly Invitae), Labcorp
Classification: Likely pathogenic for Primary ciliary dyskinesia. Last evaluated: 2024-08-16. Review status: criteria provided, single submitter. Criteria: Invitae Variant Classification Sherloc (09022015). Collection method: clinical testing. Allele origin: germline.
Comment: This sequence change affects an acceptor splice site in intron 33 of the DNAH8 gene. It is expected to disrupt RNA splicing. Variants that disrupt the donor or acceptor splice site typically lead to a loss of protein function (PMID: 16199547), and loss-of-function variants in DNAH8 are known to be pathogenic (PMID: 24307375, 32619401, 32681648). This variant is not present in population databases (gnomAD no frequency). This variant has not been reported in the literature in individuals affected with DNAH8-related conditions. Algorithms developed to predict the effect of sequence changes on RNA splicing suggest that this variant may disrupt the consensus splice site. In summary, the currently available evidence indicates that the variant is pathogenic, but additional data are needed to prove that conclusively. Therefore, this variant has been classified as Likely Pathogenic.

Literature cited by the submitters: PubMed 16199547; PubMed 24307375; PubMed 32619401; PubMed 32681648.